The following is an entry in ClinVar:

ClinVar aggregate classification (germline): Uncertain significance. Review status: criteria provided, multiple submitters, no conflicts (2 of 4 stars). 4 submissions from 4 submitters: Uncertain significance (4). Last evaluated 2026-03-30.

Conditions:
Isolated focal cortical dysplasia type II (FCORD2). Also called: CORTICAL DYSPLASIA OF TAYLOR; Focal cortical dysplasia type II. Identifiers: Orphanet 268994, MedGen C1846385, MONDO:0011818, OMIM 607341, HP:0032051.
Hereditary cancer-predisposing syndrome. Also called: Tumor predisposition; Hereditary neoplastic syndrome; Neoplastic Syndromes, Hereditary; Hereditary Cancer Syndrome. Identifiers: Orphanet 140162, MedGen C0027672, MeSH D009386, MONDO:0015356.
Tuberous sclerosis 1 (TSC1). Identifiers: Orphanet 805, MedGen C1854465, MONDO:0008612, OMIM 191100.

Submissions (4):

Ambry Genetics
Classification: Uncertain significance for Hereditary cancer-predisposing syndrome. Last evaluated: 2026-03-30. Review status: criteria provided, single submitter. Criteria: Ambry Variant Classification Scheme 2023. Collection method: clinical testing. Allele origin: germline.
Comment: The p.Y176H variant (also known as c.526T>C), located in coding exon 5 of the TSC1 gene, results from a T to C substitution at nucleotide position 526. The tyrosine at codon 176 is replaced by histidine, an amino acid with similar properties. This amino acid position is conserved. In addition, this alteration is predicted to be deleterious by in silico analysis. Based on the available evidence, the clinical significance of this variant remains unclear.

Labcorp Genetics (formerly Invitae), Labcorp
Classification: Uncertain significance for Tuberous sclerosis 1. Last evaluated: 2025-12-28. Review status: criteria provided, single submitter. Criteria: Invitae Variant Classification Sherloc (09022015). Collection method: clinical testing. Allele origin: germline.
Comment: This sequence change replaces tyrosine, which is neutral and polar, with histidine, which is basic and polar, at codon 176 of the TSC1 protein (p.Tyr176His). This variant is not present in population databases (gnomAD no frequency). This variant has not been reported in the literature in individuals affected with TSC1-related conditions. ClinVar contains an entry for this variant (Variation ID: 2679309). Invitae Evidence Modeling of protein sequence and biophysical properties (such as structural, functional, and spatial information, amino acid conservation, physicochemical variation, residue mobility, and thermodynamic stability) indicates that this missense variant is not expected to disrupt TSC1 protein function with a negative predictive value of 95%. In summary, the available evidence is currently insufficient to determine the role of this variant in disease. Therefore, it has been classified as a Variant of Uncertain Significance.

GeneDx
Classification: Uncertain significance. Last evaluated: 2024-04-16. Review status: criteria provided, single submitter. Criteria: GeneDx Variant Classification Process June 2021. Collection method: clinical testing. Allele origin: germline. Affected: yes.
Comment: Not observed at significant frequency in large population cohorts (gnomAD); In silico analysis indicates that this missense variant does not alter protein structure/function; Has not been previously published as pathogenic or benign to our knowledge

Baylor Genetics
Classification: Uncertain significance for Isolated focal cortical dysplasia type II. Last evaluated: 2023-08-01. Review status: criteria provided, single submitter. Criteria: ACMG Guidelines, 2015. Collection method: clinical testing. Allele origin: unknown.

NM_000368.5(TSC1):c.526T>C (p.Tyr176His)

Gene: TSC1 (TSC complex subunit 1; minus strand). Cytogenetic location: 9q34.13.
Variant type: single nucleotide variant.
Coding change: c.526T>C on transcript NM_000368.5 (MANE Select); coding-DNA position 526, T replaced by C.
Protein change: p.Tyr176His; replaces tyrosine 176 with histidine.
Molecular consequence: missense variant. On other transcripts: 5 prime UTR variant (5), non-coding transcript variant (5).
Genome position (GRCh38, 1-based): chr9:132,921,956, A>G on the plus strand (T>C on the coding strand, the complement: TSC1 is on the minus strand). VCF-style: chr9-132921956-A-G. GRCh37 (hg19) VCF-style: chr9-135797343-A-G.
Other names: c.526T>C, p.Tyr176His (NM_001162426.2, NM_001406592.1, NM_001406593.1 and 16 more transcripts); c.373T>C, p.Tyr125His (NM_001162427.2, NM_001406610.1, NM_001406611.1 and 2 more transcripts); c.163T>C, p.Tyr55His (NM_001362177.2, NM_001406616.1, NM_001406617.1 and 10 more transcripts); c.-352T>C (NM_001406626.1, NM_001406627.1, NM_001406628.1); c.-494T>C (NM_001406629.1); c.-568T>C (NM_001406630.1); short protein forms Y125H, Y176H, Y55H.
Identifiers: ClinVar variation 2679309 (VCV002679309.4), dbSNP rs2132161108, ClinGen allele CA375372883.